The following is an entry in ClinVar:

ClinVar aggregate classification (germline): Uncertain significance (1 of 4 stars; one submission).

Submission:

Labcorp Genetics (formerly Invitae), Labcorp
Classification: Uncertain significance. Last evaluated: 2024-08-07. Review status: criteria provided, single submitter. Criteria: Invitae Variant Classification Sherloc (09022015). Collection method: clinical testing. Allele origin: germline.
Comment: This sequence change creates a premature translational stop signal (p.Gln869*) in the ATP2C1 gene. While this is not anticipated to result in nonsense mediated decay, it is expected to disrupt the last 51 amino acid(s) of the ATP2C1 protein. This variant is not present in population databases (gnomAD no frequency). This premature translational stop signal has been observed in individual(s) with clinical features of Hailey-Hailey disease (Invitae). Experimental studies and prediction algorithms are not available or were not evaluated, and the functional significance of this variant is currently unknown. Algorithms developed to predict the effect of sequence changes on RNA splicing suggest that this variant may disrupt the consensus splice site. In summary, the available evidence is currently insufficient to determine the role of this variant in disease. Therefore, it has been classified as a Variant of Uncertain Significance.

NM_001378687.1(ATP2C1):c.2605C>T (p.Gln869Ter)

Gene: ATP2C1 (ATPase secretory pathway Ca2+ transporting 1; plus strand). Cytogenetic location: 3q22.1.
Variant type: single nucleotide variant.
Coding change: c.2605C>T on transcript NM_001378687.1 (MANE Select); coding-DNA position 2605, C replaced by T.
Protein change: p.Gln869Ter; replaces glutamine 869 with a stop codon.
Molecular consequence: nonsense.
Genome position (GRCh38, 1-based): chr3:130,999,635, C>T. VCF-style: chr3-130999635-C-T. GRCh37 (hg19) VCF-style: chr3-130718479-C-T.
Other names: c.2605C>T, p.Gln869Ter (NM_001001485.3, NM_001001486.2, NM_001001487.2 and 5 more transcripts); c.2707C>T, p.Gln903Ter (NM_001199180.2, NM_001199181.3, NM_001378511.1); c.2590C>T, p.Gln864Ter (NM_001199182.2); c.2557C>T, p.Gln853Ter (NM_001199183.2, NM_001199184.3, NM_001378514.1); short protein forms Q853*, Q869*, Q903*, Q864*.
Identifiers: ClinVar variation 3661702 (VCV003661702.2).